The following is an entry in ClinVar:

NM_001035.3(RYR2):c.2490A>T (p.Glu830Asp)

Gene: RYR2 (ryanodine receptor 2; plus strand). Cytogenetic location: 1q43.
Variant type: single nucleotide variant.
Coding change: c.2490A>T on transcript NM_001035.3 (MANE Select); coding-DNA position 2490, A replaced by T.
Protein change: p.Glu830Asp; replaces glutamic acid 830 with aspartic acid.
Molecular consequence: missense variant.
Genome position (GRCh38, 1-based): chr1:237,503,382, A>T. VCF-style: chr1-237503382-A-T. GRCh37 (hg19) VCF-style: chr1-237666682-A-T.
Other names: short protein forms E830D.
Identifiers: ClinVar variation 4758918 (VCV004758918.1).

ClinVar aggregate classification (germline): Uncertain significance (1 of 4 stars; one submission).

Conditions:
Cardiomyopathy (CMYO). Also called: Cardiomyopathies. Identifiers: Orphanet 167848, MedGen C0878544, MONDO:0004994, HP:0001638. Inheritance: Various modes of inheritance.

Submission:

Color Diagnostics, LLC DBA Color Health
Classification: Uncertain significance for Cardiomyopathy. Last evaluated: 2025-07-14. Review status: criteria provided, single submitter. Criteria: ACMG Guidelines, 2015. Collection method: clinical testing. Allele origin: germline.
Comment: This missense variant replaces glutamic acid with aspartic acid at codon 830 of the RYR2 protein. Computational prediction suggests that this variant may not impact protein structure and function. To our knowledge, functional studies have not been reported for this variant. This variant has not been reported in individuals affected with RYR2-related disorders in the literature. This variant has not been identified in the general population by the Genome Aggregation Database (gnomAD). The available evidence is insufficient to determine the role of this variant in disease conclusively. Therefore, this variant is classified as a Variant of Uncertain Significance.